The following is an entry in ClinVar:

NM_000827.4(GRIA1):c.2503G>A (p.Glu835Lys)

Gene: GRIA1 (glutamate ionotropic receptor AMPA type subunit 1; plus strand). Cytogenetic location: 5q33.2.
Variant type: single nucleotide variant.
Coding change: c.2503G>A on transcript NM_000827.4 (MANE Select); coding-DNA position 2503, G replaced by A.
Protein change: p.Glu835Lys; replaces glutamic acid 835 with lysine.
Molecular consequence: missense variant. On other transcripts: non-coding transcript variant (2).
Genome position (GRCh38, 1-based): chr5:153,802,473, G>A. VCF-style: chr5-153802473-G-A. GRCh37 (hg19) VCF-style: chr5-153182033-G-A.
Other names: c.2503G>A, p.Glu835Lys (NM_001114183.2); c.2263G>A, p.Glu755Lys (NM_001258019.2); c.2218G>A, p.Glu740Lys (NM_001258020.2); c.2533G>A, p.Glu845Lys (NM_001258021.2, NM_001258022.2); c.2296G>A, p.Glu766Lys (NM_001258023.1, NM_001364167.2); c.2335G>A, p.Glu779Lys (NM_001364165.2); c.2530G>A, p.Glu844Lys (NM_001364166.2); short protein forms E740K, E755K, E766K, E779K, E835K, E844K, E845K.
Identifiers: ClinVar variation 1686743 (VCV001686743.3), dbSNP rs1213129096, ClinGen allele CA362001873.
Genomic context (GRCh38, chr5:153,802,473, plus strand): 5'-GGAGGACTTGGACTAGCCATGCTGGTTGCCTTAATCGAGTTCTGCTACAAATCCCGTAGT[G>A]AATCCAAGCGGATGAAGGTGGCATCGTCTTCCCGGGCCTTTTTCCTAACCTGTTCTGTGA-3'
Protein context (NP_000818.2, residues 825-845): LIEFCYKSRS[Glu835Lys]SKRMKGFCLI

ClinVar aggregate classification (germline): Uncertain significance (1 of 4 stars; one submission).

Submission:

GeneDx
Classification: Uncertain significance. Last evaluated: 2026-02-01. Review status: criteria provided, single submitter. Criteria: GeneDx Variant Classification Process June 2021. Collection method: clinical testing. Allele origin: germline.
Comment: Not observed at significant frequency in large population cohorts (gnomAD); In silico analysis supports that this missense variant has a deleterious effect on protein structure/function; Has not been previously published as pathogenic or benign to our knowledge